The following is an entry in ClinVar:

NM_001081550.2(THOC2):c.3626C>T (p.Ser1209Phe)

Gene: THOC2 (THO complex subunit 2; minus strand). Cytogenetic location: Xq25.
Variant type: single nucleotide variant.
Coding change: c.3626C>T on transcript NM_001081550.2 (MANE Select); coding-DNA position 3626, C replaced by T.
Protein change: p.Ser1209Phe; replaces serine 1209 with phenylalanine.
Molecular consequence: missense variant.
Genome position (GRCh38, 1-based): chrX:123,623,161, G>A on the plus strand (C>T on the coding strand, the complement: THOC2 is on the minus strand). VCF-style: chrX-123623161-G-A. GRCh37 (hg19) VCF-style: chrX-122757012-G-A.
Other names: short protein forms S1209F.
Identifiers: ClinVar variation 1314592 (VCV001314592.3), dbSNP rs1666536676, ClinGen allele CA414263660.

ClinVar aggregate classification (germline): Uncertain significance. Review status: criteria provided, multiple submitters, no conflicts (2 of 4 stars). 2 submissions from 2 submitters: Uncertain significance (2). Last evaluated 2025-11-11.

Conditions:
Inborn genetic diseases. Identifiers: MedGen C0950123, MeSH D030342.

Allele frequency attached by ClinVar (database versions not stated): gnomAD exomes below 0.00001; TOPMed 0.00001; gnomAD 0.00001.
gnomAD v4.1: 6 of 1,209,807 alleles (0.0005%); highest among the groups gnomAD compares: Non-Finnish European, 0.00056%; no homozygotes.

Submissions (2):

Ambry Genetics
Classification: Uncertain significance for Inborn genetic diseases. Last evaluated: 2025-11-11. Review status: criteria provided, single submitter. Criteria: Ambry Variant Classification Scheme 2023. Collection method: clinical testing. Allele origin: germline.

GeneDx
Classification: Uncertain significance. Last evaluated: 2021-04-03. Review status: criteria provided, single submitter. Criteria: GeneDx Variant Classification Process June 2021. Collection method: clinical testing. Allele origin: germline. Affected: yes.
Comment: Not observed in large population cohorts (Lek et al., 2016); In silico analysis supports that this missense variant does not alter protein structure/function; Has not been previously published as pathogenic or benign to our knowledge